The following is an entry in ClinVar:

ClinVar aggregate classification (germline): Uncertain significance (1 of 4 stars; one submission).

Conditions:
Juvenile polyposis syndrome (JPS). Identifiers: Orphanet 2929, MedGen C0345893, MONDO:0017380, OMIM 174900.

gnomAD v4.1: 1 of 1,614,096 alleles (0.000062%); no homozygotes.

Submission:

Labcorp Genetics (formerly Invitae), Labcorp
Classification: Uncertain significance for Juvenile polyposis syndrome. Last evaluated: 2025-05-05. Review status: criteria provided, single submitter. Criteria: Invitae Variant Classification Sherloc (09022015). Collection method: clinical testing. Allele origin: germline.
Comment: This sequence change replaces valine, which is neutral and non-polar, with aspartic acid, which is acidic and polar, at codon 141 of the BMPR1A protein (p.Val141Asp). This variant is not present in population databases (gnomAD no frequency). This variant has not been reported in the literature in individuals affected with BMPR1A-related conditions. ClinVar contains an entry for this variant (Variation ID: 1520400). Invitae Evidence Modeling of protein sequence and biophysical properties (such as structural, functional, and spatial information, amino acid conservation, physicochemical variation, residue mobility, and thermodynamic stability) indicates that this missense variant is not expected to disrupt BMPR1A protein function with a negative predictive value of 80%. In summary, the available evidence is currently insufficient to determine the role of this variant in disease. Therefore, it has been classified as a Variant of Uncertain Significance.

NM_004329.3(BMPR1A):c.422T>A (p.Val141Asp)

Gene: BMPR1A (bone morphogenetic protein receptor type 1A; plus strand). Cytogenetic location: 10q23.2.
Variant type: single nucleotide variant.
Coding change: c.422T>A on transcript NM_004329.3 (MANE Select); coding-DNA position 422, T replaced by A.
Protein change: p.Val141Asp; replaces valine 141 with aspartic acid.
Molecular consequence: missense variant.
Genome position (GRCh38, 1-based): chr10:86,899,882, T>A. VCF-style: chr10-86899882-T-A. GRCh37 (hg19) VCF-style: chr10-88659639-T-A.
Other names: short protein forms V141D.
Identifiers: ClinVar variation 1520400 (VCV001520400.6), dbSNP rs1442736321, ClinGen allele CA377449856.